The following is an entry in ClinVar:

ClinVar aggregate classification (germline): Likely pathogenic (1 of 4 stars; one submission).

Conditions:
Deficiency of acetyl-CoA acetyltransferase. Also called: 3-KETOTHIOLASE DEFICIENCY; 3-OXOTHIOLASE DEFICIENCY; Beta-ketothiolase deficiency; MITOCHONDRIAL ACETOACETYL-CoA THIOLASE DEFICIENCY. Identifiers: Orphanet 134, MedGen C1536500, MONDO:0008760, OMIM 203750. Disease mechanism: loss of function.

Submission:

Natera, Inc.
Classification: Likely pathogenic for Alpha-methylacetoacetic aciduria. Last evaluated: 2026-01-26. Review status: criteria provided, single submitter. Criteria: Natera Variant Classification Schema (03/2026). Collection method: clinical testing. Allele origin: germline.
Comment: The c.1214delG variant in ACAT1 is a frameshift variant predicted to shift the reading frame beginning at codon 405 and leads to a stop codon 19 codons downstream. This variant may result in a truncated or dysfunctional protein product. This variant is rare in the general population with a frequency below the threshold expected for the associated phenotype(s). This variant has been observed in one or more individuals affected with the associated recessive disease, as either homozygous or compound heterozygous with a second variant (PMID: 30393371). Given the available evidence, this variant is classified as Likely Pathogenic.

Literature cited by the submitters: PubMed 30393371.

NM_000019.4(ACAT1):c.1214del (p.Gly405fs)

Gene: ACAT1 (acetyl-CoA acetyltransferase 1; plus strand). Cytogenetic location: 11q22.3.
Variant type: Deletion.
Coding change: c.1214del on transcript NM_000019.4 (MANE Select); coding-DNA position 1214, one base deleted (G; older notation c.1214delG).
Protein change: p.Gly405fs; shifts the reading frame from glycine 405.
Molecular consequence: frameshift variant. On other transcripts: non-coding transcript variant (2).
Genome position (GRCh38, 1-based): chr11:108,147,320, G deleted; the last of 2 consecutive G bases (chr11:108,147,319-108,147,320); deleting either gives the same sequence. VCF-style (leftmost placement, unchanged base first): chr11-108147318-AG-A. GRCh37 (hg19) VCF-style: chr11-108018045-AG-A.
Other names: c.1235del, p.Gly412fs (NM_001386677.1); c.899del, p.Gly300fs (NM_001386678.1); c.917del, p.Gly306fs (NM_001386679.1); c.944del, p.Gly315fs (NM_001386681.1, NM_001386682.1, NM_001386685.1 and 6 more transcripts); short protein forms G300fs, G306fs, G315fs, G405fs, G412fs.
Identifiers: ClinVar variation 4817549 (VCV004817549.1).
Genomic context (GRCh38, chr11:108,147,318, plus strand): 5'-TCTTAATTTTAGGATGTCTGGAGCCAGGATTGTTGGTCATTTGACTCATGCCTTGAAGCA[AG>A]GAGAATACGGTCTTGCCAGTATTTGCAATGGAGGAGGAGGTGCTTCTGCCATGCTAATTC-3'